The following is an entry in ClinVar:

ClinVar aggregate classification (germline): Pathogenic (1 of 4 stars; one submission).

Conditions:
Familial thoracic aortic aneurysm and aortic dissection (TAAD). Also called: Thoracic aortic aneurysms and dissections. Identifiers: Orphanet 91387, MedGen C4707243, MONDO:0019625.
Hereditary cancer-predisposing syndrome. Also called: Neoplastic Syndromes, Hereditary; Tumor predisposition; Hereditary neoplastic syndrome; Hereditary Cancer Syndrome. Identifiers: Orphanet 140162, MedGen C0027672, MeSH D009386, MONDO:0015356.

Submission:

Ambry Genetics
Classification: Pathogenic for Hereditary cancer-predisposing syndrome; Familial thoracic aortic aneurysm and aortic dissection. Last evaluated: 2025-03-27. Review status: criteria provided, single submitter. Criteria: Ambry Variant Classification Scheme 2023. Collection method: clinical testing. Allele origin: germline.
Comment: The c.608delC pathogenic mutation, located in coding exon 4 of the SMAD4 gene, results from a deletion of one nucleotide at nucleotide position 608, causing a translational frameshift with a predicted alternate stop codon (p.P203Hfs*38). This variant was reported in individual(s) with features consistent with juvenile polyposis (Carr JC et al. J Surg Res, 2012 May;174:211-4). This variant is considered to be rare based on population cohorts in the Genome Aggregation Database (gnomAD). This alteration is expected to result in loss of function by premature protein truncation or nonsense-mediated mRNA decay. As such, this alteration is interpreted as a disease-causing mutation.

Literature cited by the submitters: PubMed 22316667.

NM_005359.6(SMAD4):c.608del (p.Pro203fs)

Gene: SMAD4 (SMAD family member 4; plus strand). Cytogenetic location: 18q21.2.
Variant type: Deletion.
Coding change: c.608del on transcript NM_005359.6 (MANE Select); coding-DNA position 608, one base deleted (C; older notation c.608delC).
Protein change: p.Pro203fs; shifts the reading frame from proline 203.
Molecular consequence: frameshift variant.
Genome position (GRCh38, 1-based): chr18:51,054,934, C deleted; the last of 4 consecutive C bases (chr18:51,054,931-51,054,934); deleting any one gives the same sequence. VCF-style (leftmost placement, unchanged base first): chr18-51054930-GC-G. GRCh37 (hg19) VCF-style: chr18-48581300-GC-G.
Other names: short protein forms P203fs.
Identifiers: ClinVar variation 4040599 (VCV004040599.1), dbSNP rs377767333.